The following is an entry in ClinVar:

NM_001111.5(ADAR):c.805T>G (p.Ser269Ala)

Gene: ADAR (adenosine deaminase RNA specific; minus strand). Cytogenetic location: 1q21.3.
Variant type: single nucleotide variant.
Coding change: c.805T>G on transcript NM_001111.5 (MANE Select); coding-DNA position 805, T replaced by G.
Protein change: p.Ser269Ala; replaces serine 269 with alanine.
Molecular consequence: missense variant. On other transcripts: 5 prime UTR variant (6).
Genome position (GRCh38, 1-based): chr1:154,601,837, A>C on the plus strand (T>G on the coding strand, the complement: ADAR is on the minus strand). VCF-style: chr1-154601837-A-C. GRCh37 (hg19) VCF-style: chr1-154574313-A-C.
Other names: c.-81T>G (NM_001025107.3, NM_001193495.2, NM_001365046.1 and 3 more transcripts); c.832T>G, p.Ser278Ala (NM_001365045.1); c.805T>G, p.Ser269Ala (NM_015840.4, NM_015841.4); short protein forms S278A, S269A.
Identifiers: ClinVar variation 2014898 (VCV002014898.4), dbSNP rs761245373, ClinGen allele CA342599913.

ClinVar aggregate classification (germline): Uncertain significance (1 of 4 stars; one submission).

Conditions:
Symmetrical dyschromatosis of extremities (DSH). Also called: SYMMETRIC DYSCHROMATOSIS OF THE EXTREMITIES; RETICULATE ACROPIGMENTATION OF DOHI; Dyschromatosis symmetrica hereditaria; DYSCHROMATOSIS SYMMETRICA HEREDITARIA 1. Identifiers: Orphanet 41, MedGen C0406775, MONDO:0007483, OMIM 127400.
Aicardi-Goutieres syndrome 6 (AGS6). Identifiers: Orphanet 51, MedGen C3539013, MONDO:0014007, OMIM 615010.

Submission:

Labcorp Genetics (formerly Invitae), Labcorp
Classification: Uncertain significance for Aicardi-Goutieres syndrome 6; Symmetrical dyschromatosis of extremities. Last evaluated: 2023-07-17. Review status: criteria provided, single submitter. Criteria: Invitae Variant Classification Sherloc (09022015). Collection method: clinical testing. Allele origin: germline.
Comment: This sequence change replaces serine, which is neutral and polar, with alanine, which is neutral and non-polar, at codon 269 of the ADAR protein (p.Ser269Ala). This variant is not present in population databases (gnomAD no frequency). This variant has not been reported in the literature in individuals affected with ADAR-related conditions. ClinVar contains an entry for this variant (Variation ID: 2014898). Algorithms developed to predict the effect of missense changes on protein structure and function output the following: SIFT: "Not Available"; PolyPhen-2: "Benign"; Align-GVGD: "Not Available". The alanine amino acid residue is found in multiple mammalian species, which suggests that this missense change does not adversely affect protein function. In summary, the available evidence is currently insufficient to determine the role of this variant in disease. Therefore, it has been classified as a Variant of Uncertain Significance.